The following is an entry in ClinVar:

ClinVar aggregate classification (germline): Likely pathogenic (1 of 4 stars; one submission).

Conditions:
Primary ciliary dyskinesia 3. Identifiers: Orphanet 244, MedGen C1837618, MONDO:0012085, OMIM 608644.

Submission:

Myriad Genetics, Inc.
Classification: Likely pathogenic for Primary ciliary dyskinesia 3. Last evaluated: 2022-01-02. Review status: criteria provided, single submitter. Criteria: Myriad Women's Health Autosomal Recessive and X-Linked Classification Criteria (2021). Collection method: clinical testing. Allele origin: unknown.
Comment: NM_001369.2(DNAH5):c.7363_7364insCTGT(I2455Tfs*7) is expected to be pathogenic in the context of DNAH5-related primary ciliary dyskinesia. This variant is predicted to lead to an abnormal or absent protein product due to the creation of a premature termination codon in DNAH5, a gene where loss-of-function variants are known to be pathogenic. Please note: this variant was assessed in the context of healthy population screening.

NM_001369.3(DNAH5):c.7363_7364insCTGT (p.Ile2455fs)

Gene: DNAH5 (dynein axonemal heavy chain 5; minus strand). Cytogenetic location: 5p15.2.
Variant type: Insertion.
Coding change: c.7363_7364insCTGT on transcript NM_001369.3 (MANE Select); coding-DNA positions 7363 to 7364, CTGT inserted.
Protein change: p.Ile2455fs; shifts the reading frame from isoleucine 2455.
Molecular consequence: frameshift variant.
Genome position: GRCh38 VCF-style: chr5-13811690-A-AACAG. GRCh37 (hg19) VCF-style: chr5-13811799-A-AACAG.
Other names: short protein forms I2455fs.
Identifiers: ClinVar variation 1726973 (VCV001726973.2), dbSNP rs2546814180, ClinGen allele CA2580072032.